The following is an entry in ClinVar:

ClinVar aggregate classification (germline): Conflicting classifications of pathogenicity. Review status: criteria provided, conflicting classifications (1 of 4 stars). 8 submissions from 8 submitters: Uncertain significance (5); Benign (1); Likely benign (1). 1 of the submissions does not count toward it. Last evaluated 2025-07-18.

Conditions:
Cardiovascular phenotype. Identifiers: MedGen CN230736.
Familial isolated arrhythmogenic right ventricular dysplasia. Identifiers: Orphanet 217656, MedGen C4274968, MONDO:0016342.
Arrhythmogenic right ventricular dysplasia 11. Also called: ARRHYTHMOGENIC RIGHT VENTRICULAR DYSPLASIA, FAMILIAL, 11; Arrhythmogenic right ventricular dysplasia 11 with mild palmoplantar keratoderma and woolly hair; Arrhythmogenic Right Ventricular Dysplasia/Cardiomyopathy11. Identifiers: MedGen C1864850, MONDO:0012506, OMIM 610476.
Arrhythmogenic right ventricular dysplasia 1. Identifiers: Orphanet 3403, MedGen C1862511, MONDO:0007152, OMIM 107970.
Cardiomyopathy (CMYO). Also called: Cardiomyopathies. Identifiers: Orphanet 167848, MedGen C0878544, MONDO:0004994, HP:0001638. Inheritance: Various modes of inheritance.

Allele frequency attached by ClinVar (database versions not stated): gnomAD 0.00003; ExAC 0.00003; ESP Exome Variant Server 0.00008; gnomAD exomes 0.00001 and 0.00003; TOPMed 0.00003.

Submissions (8):

Labcorp Genetics (formerly Invitae), Labcorp
Classification: Uncertain significance for Arrhythmogenic right ventricular dysplasia 11. Last evaluated: 2025-07-18. Review status: criteria provided, single submitter. Criteria: Invitae Variant Classification Sherloc (09022015). Collection method: clinical testing. Allele origin: germline.
Comment: This sequence change replaces threonine, which is neutral and polar, with alanine, which is neutral and non-polar, at codon 340 of the DSC2 protein (p.Thr340Ala). This variant is present in population databases (rs368299411, gnomAD 0.006%). This missense change has been observed in individual(s) with arrhythmogenic right ventricular cardiomyopathy/dysplasia or dilated cardiomyopathy (PMID: 19863551, 25163546). ClinVar contains an entry for this variant (Variation ID: 161222). Invitae Evidence Modeling of protein sequence and biophysical properties (such as structural, functional, and spatial information, amino acid conservation, physicochemical variation, residue mobility, and thermodynamic stability) indicates that this missense variant is not expected to disrupt DSC2 protein function with a negative predictive value of 80%. In summary, the available evidence is currently insufficient to determine the role of this variant in disease. Therefore, it has been classified as a Variant of Uncertain Significance.

Color Diagnostics, LLC DBA Color Health
Classification: Uncertain significance for Cardiomyopathy. Last evaluated: 2024-06-25. Review status: criteria provided, single submitter. Criteria: ACMG Guidelines, 2015. Collection method: clinical testing. Allele origin: germline.
Comment: This missense variant replaces threonine with alanine at codon 340 of the DSC2 protein. Computational prediction suggests that this variant may not impact protein structure and function. To our knowledge, functional studies have not been reported for this variant. This variant has been reported in an individual suspected of having arrhythmogenic right ventricular cardiomyopathy, who also carried a pathogenic truncation variant in the PKP2 gene (PMID: 19863551), and in another individual affected with dilated cardiomyopathy (PMID: 25163546). This variant has been identified in 9/282402 chromosomes in the general population by the Genome Aggregation Database (gnomAD). The available evidence is insufficient to determine the role of this variant in disease conclusively. Therefore, this variant is classified as a Variant of Uncertain Significance.

All of Us Research Program, National Institutes of Health
Classification: Uncertain significance for Familial isolated arrhythmogenic right ventricular dysplasia. Last evaluated: 2024-01-03. Review status: criteria provided, single submitter. Criteria: ACMG Guidelines, 2015. Collection method: clinical testing. Allele origin: germline. Inheritance: Autosomal dominant inheritance. Observed: 8 variant alleles, 8 heterozygotes.
Comment: This missense variant replaces threonine with alanine at codon 340 of the DSC2 protein. Computational prediction suggests that this variant may not impact protein structure and function (internally defined REVEL score threshold <= 0.5, PMID: 27666373). To our knowledge, functional studies have not been reported for this variant. This variant has been reported in an individual suspected of having arrhythmogenic right ventricular cardiomyopathy, who also carried a pathogenic truncation variant in the PKP2 gene (PMID: 19863551), and in another individual affected with dilated cardiomyopathy (PMID: 25163546). This variant has been identified in 9/282402 chromosomes in the general population by the Genome Aggregation Database (gnomAD). The available evidence is insufficient to determine the role of this variant in disease conclusively. Therefore, this variant is classified as a Variant of Uncertain Significance.

This study involves interpretation of variants in research participants for the purpose of population health screening. Participant phenotype was not available at the time of variant classification. Additional details can be found in publication PMID: 35346344, PMCID: PMC8962531

Ambry Genetics
Classification: Likely benign for Cardiovascular phenotype. Last evaluated: 2021-09-17. Review status: criteria provided, single submitter. Criteria: Ambry Variant Classification Scheme 2023. Collection method: clinical testing. Allele origin: germline.

Molecular Diagnostic Laboratory for Inherited Cardiovascular Disease, Montreal Heart Institute
Classification: Uncertain significance for Arrhythmogenic right ventricular dysplasia 1. Last evaluated: 2019-12-10. Review status: criteria provided, single submitter. Criteria: ACMG Guidelines, 2015. Collection method: clinical testing. Allele origin: germline. Affected: yes.

GeneDx
Classification: Uncertain significance. Last evaluated: 2019-10-21. Review status: criteria provided, single submitter. Criteria: GeneDx Variant Classification Process June 2021. Collection method: clinical testing. Allele origin: germline. Affected: yes.
Comment: Not observed at a significant frequency in large population cohorts (Lek et al., 2016); In silico analysis, which includes protein predictors and evolutionary conservation, supports a deleterious effect; Reported in association with suspected ARVC and DCM (Barahona-Dussault et al., 2010; Haas et al., 2015); This variant is associated with the following publications: (PMID: 31402444, 25163546, 19863551, 25637381, 23299917)

Mendelics
Classification: Benign for Arrhythmogenic right ventricular dysplasia 11. Last evaluated: 2019-05-28. Review status: criteria provided, single submitter. Criteria: Mendelics Assertion Criteria 2017. Collection method: clinical testing. Allele origin: unknown.

CSER _CC_NCGL, University of Washington
Classification: Likely benign for Arrhythmogenic right ventricular dysplasia/cardiomyopathy. Last evaluated: 2014-06-01. Review status: no assertion criteria provided. Collection method: research. Allele origin: germline. Inheritance: Autosomal dominant inheritance. Study: ESP 6500 variant annotation. Not counted in ClinVar's aggregate classification.
Comment: Variants classified for the Actionable exomic incidental findings in 6503 participants: challenges of variant classification manuscript

Literature cited by the submitters: PubMed 19863551 (cited by 4 submitters); PubMed 25163546 (cited by 3 submitters); PubMed 23299917 (cited by Ambry Genetics); PubMed 25637381 (cited by Ambry Genetics).

NM_024422.6(DSC2):c.1018A>G (p.Thr340Ala)

Gene: DSC2 (desmocollin 2; minus strand). Cytogenetic location: 18q12.1.
Variant type: single nucleotide variant.
Coding change: c.1018A>G on transcript NM_024422.6 (MANE Select); coding-DNA position 1018, A replaced by G.
Protein change: p.Thr340Ala; replaces threonine 340 with alanine.
Molecular consequence: missense variant.
Genome position (GRCh38, 1-based): chr18:31,082,985, T>C on the plus strand (A>G on the coding strand, the complement: DSC2 is on the minus strand). VCF-style: chr18-31082985-T-C. GRCh37 (hg19) VCF-style: chr18-28662951-T-C.
Other names: c.1018A>G, p.Thr340Ala (NM_004949.5); c.1018A>G (LRG_400t1); short protein forms T340A.
Identifiers: ClinVar variation 161222 (VCV000161222.17), dbSNP rs368299411, ClinGen allele CA022384.